The following is an entry in ClinVar:

NM_006231.4(POLE):c.5334C>T (p.Ala1778=)

Gene: POLE (DNA polymerase epsilon, catalytic subunit; minus strand). Cytogenetic location: 12q24.33.
Variant type: single nucleotide variant.
Coding change: c.5334C>T on transcript NM_006231.4 (MANE Select); coding-DNA position 5334, C replaced by T.
Protein change: p.Ala1778=; no amino-acid change (alanine 1778 retained).
Molecular consequence: synonymous variant.
Genome position (GRCh38, 1-based): chr12:132,641,691, G>A on the plus strand (C>T on the coding strand, the complement: POLE is on the minus strand). VCF-style: chr12-132641691-G-A. GRCh37 (hg19) VCF-style: chr12-133218277-G-A.
Identifiers: ClinVar variation 380429 (VCV000380429.33), dbSNP rs11146986, ClinGen allele CA6892566.
Genomic context (GRCh38, chr12:132,641,691, plus strand): 5'-CCAGAGAGGGTGGCACCTGAAGGTGTTAGAGCACAGGGCTGTCTCATCGTAGCTGGCCGG[G>A]GCACTGGCAGCCTGACCACCCGTGATCATGTCCTCCAGGGAGGCCTGCTGGATCACGTCG-3'
Protein context (NP_006222.2, residues 1768-1788): DMITGGQAAS[Ala1778=]PASYDETALC

ClinVar aggregate classification (germline): Benign. Review status: criteria provided, multiple submitters, no conflicts (2 of 4 stars). 15 submissions from 15 submitters: Benign (11). 4 of the submissions do not count toward it. Last evaluated 2026-02-04.

Conditions:
Colorectal cancer, susceptibility to, 12 (CRCS12). Also called: COLORECTAL CANCER, SUSCEPTIBILITY TO, ON CHROMOSOME 12q24. Identifiers: Orphanet 220460, MedGen C3554460, MONDO:0014038, OMIM 615083.
Endometrial carcinoma. Also called: Endometrial carcinoma, somatic. Identifiers: MedGen C0476089, MONDO:0002447, OMIM 608089, HP:0012114.
Hereditary cancer-predisposing syndrome. Also called: Tumor predisposition; Hereditary neoplastic syndrome; Neoplastic Syndromes, Hereditary; Hereditary Cancer Syndrome. Identifiers: Orphanet 140162, MedGen C0027672, MeSH D009386, MONDO:0015356.

Allele frequency attached by ClinVar (database versions not stated): gnomAD 0.00205 and 0.00300; gnomAD exomes 0.00269 and 0.00614; TOPMed 0.00356; ExAC 0.00630; 1000 Genomes Project 30x 0.01171; 1000 Genomes Project 0.01238.

Submissions (15):

Labcorp Genetics (formerly Invitae), Labcorp
Classification: Benign. Last evaluated: 2026-02-04. Review status: criteria provided, single submitter. Criteria: Invitae Variant Classification Sherloc (09022015). Collection method: clinical testing. Allele origin: germline.

ARUP Laboratories, Molecular Genetics and Genomics, ARUP Laboratories
Classification: Benign. Last evaluated: 2025-06-06. Review status: criteria provided, single submitter. Criteria: ARUP Molecular Germline Variant Investigation Process 2024. Collection method: clinical testing. Allele origin: germline.

Center for Genomic Medicine, Rigshospitalet, Copenhagen University Hospital
Classification: Benign. Last evaluated: 2025-03-04. Review status: criteria provided, single submitter. Criteria: ACMG Guidelines, 2015. Collection method: clinical testing. Allele origin: germline.

KCCC/NGS Laboratory, Kuwait Cancer Control Center
Classification: Benign for Colorectal cancer, susceptibility to, 12. Last evaluated: 2023-07-07. Review status: criteria provided, single submitter. Criteria: ACMG Guidelines, 2015. Collection method: clinical testing. Allele origin: germline. Affected: yes.

Sema4
Classification: Benign for Hereditary cancer-predisposing syndrome. Last evaluated: 2021-05-11. Review status: criteria provided, single submitter. Criteria: Sema4 Curation Guidelines. Collection method: curation. Allele origin: germline.

Women's Health and Genetics/Laboratory Corporation of America, LabCorp
Classification: Benign. Last evaluated: 2017-07-28. Review status: criteria provided, single submitter. Criteria: LabCorp Variant Classification Summary - May 2015. Collection method: clinical testing. Allele origin: germline.
Comment: Variant summary: The POLE c.5334C>T (p.Ala1778Ala) variant involves the alteration of a non-conserved nucleotide causing a synonymous change and 5/5 splice prediction tools predict no significant impact on normal splicing. ESE finder predicts that this variant may alter ESE binding. However, these predictions have yet to be confirmed by functional studies. This variant was found in 760/120604 control chromosomes (23 homozygotes), predominantly in the East Asian cohort at a frequency of 0.079643 (687/8626). This frequency is about 5607 times the estimated maximal expected allele frequency of a pathogenic POLE variant (0.0000142), suggesting this is likely a benign polymorphism found primarily in population(s) of East Asian origin. In addition, multiple clinical diagnostic laboratories classified this variant as benign. Taken together, this variant is classified as benign.

PreventionGenetics, part of Exact Sciences
Classification: Benign. Last evaluated: 2017-07-10. Review status: criteria provided, single submitter. Criteria: ACMG Guidelines, 2015. Collection method: clinical testing. Allele origin: germline.

Quest Diagnostics Nichols Institute San Juan Capistrano
Classification: Benign. Last evaluated: 2016-07-07. Review status: criteria provided, single submitter. Criteria: Quest Diagnostics criteria. Collection method: clinical testing. Allele origin: unknown.

GeneDx
Classification: Benign. Last evaluated: 2016-01-11. Review status: criteria provided, single submitter. Criteria: GeneDx Variant Classification (06012015). Collection method: clinical testing. Allele origin: germline. Affected: yes.
Comment: This variant is considered likely benign or benign based on one or more of the following criteria: it is a conservative change, it occurs at a poorly conserved position in the protein, it is predicted to be benign by multiple in silico algorithms, and/or has population frequency not consistent with disease.

Ambry Genetics
Classification: Benign for Hereditary cancer-predisposing syndrome. Last evaluated: 2015-07-02. Review status: criteria provided, single submitter. Criteria: Ambry Variant Classification Scheme 2023. Collection method: clinical testing. Allele origin: germline.

Breakthrough Genomics
Classification: Benign. Review status: criteria provided, single submitter. Criteria: ACMG Guidelines, 2015. Collection method: not provided. Allele origin: germline. Inheritance: Autosomal recessive inheritance. Affected: yes.

True Health Diagnostics
Classification: Likely benign for Hereditary cancer-predisposing syndrome. Last evaluated: 2018-05-01. Review status: no assertion criteria provided. Collection method: clinical testing. Allele origin: germline. Not counted in ClinVar's aggregate classification.

Clinical Genetics, Academic Medical Center
Classification: Benign. Review status: no assertion criteria provided. Collection method: clinical testing. Allele origin: germline. Affected: yes. Study: VKGL Data-share Consensus. Not counted in ClinVar's aggregate classification.

Department of Pathology and Laboratory Medicine, Sinai Health System
Classification: Benign for Endometrial carcinoma. Review status: no assertion criteria provided. Collection method: clinical testing. Allele origin: unknown. Affected: yes. Study: The Canadian Open Genetics Repository (COGR). Not counted in ClinVar's aggregate classification.
Comment: The POLE p.Ala1778= variant was identified in the literature however the frequency of this variant in an affected population was not provided (Yamaguchi_2016_27217144). The variant was also identified in dbSNP (ID: rs11146986) as â€šÃ„ÃºWith Benign alleleâ€šÃ„Ã¹, ClinVar and Clinvitae (5x as benign by GeneDx, Invitae, Quest Diagnostics, Ambry Genetics, Laboratory Corrporation of America), databases. The variant was not identified in Cosmic and MutDB databases. The variant was identified in control databases in 1594 of 276784 chromosomes (51 homozygous) at a frequency of 0.006 increasing the likelihood this could be a low frequency benign variant (Genome Aggregation Database Feb 27, 2017). Breakdown of the observations by population include African in 6 of 24018 chromosomes (freq: 0.00025), â€šÃ„ÃºOtherâ€šÃ„Ã¹ in 13 of 6462 chromosomes (freq: 0.002), Latino in 3 of 34420 chromosomes (freq: 0.000087), European Non-Finnish in 14 of 126618 chromosomes (freq: 0.00011), East Asian in 1453 of 18856 chromosomes (freq: 0.08), and South Asian in 105 of 30778 chromosomes (freq: 0.003412), while the variant was not observed in the Ashkenazi Jewish and European Finnish populations. The p.Ala1778Ala variant is not expected to have clinical significance because it does not result in a change of amino acid and is not located in a known consensus splice site. In addition, in silico or computational prediction software programs (SpliceSiteFinder, MaxEntScan, NNSPLICE, GeneSplicer, HumanSpliceFinder) do not predict a difference in splicing. In summary, based on the above information this variant meets our laboratory's criteria to be classified as benign.

Genome Diagnostics Laboratory, Amsterdam University Medical Center
Classification: Benign. Review status: no assertion criteria provided. Collection method: clinical testing. Allele origin: germline. Affected: yes. Study: VKGL Data-share Consensus. Not counted in ClinVar's aggregate classification.

Literature cited by the submitters: PubMed 27217144 (cited by Women's Health and Genetics/Laboratory Corporation of America, LabCorp).